The following is an entry in ClinVar:

NM_014915.3(ANKRD26):c.5044T>C (p.Ser1682Pro)

Gene: ANKRD26 (ankyrin repeat domain containing 26; minus strand). Cytogenetic location: 10p12.1.
Variant type: single nucleotide variant.
Coding change: c.5044T>C on transcript NM_014915.3 (MANE Select); coding-DNA position 5044, T replaced by C.
Protein change: p.Ser1682Pro; replaces serine 1682 with proline.
Molecular consequence: missense variant.
Genome position (GRCh38, 1-based): chr10:27,005,679, A>G on the plus strand (T>C on the coding strand, the complement: ANKRD26 is on the minus strand). VCF-style: chr10-27005679-A-G. GRCh37 (hg19) VCF-style: chr10-27294608-A-G.
Other names: c.5041T>C, p.Ser1681Pro (NM_001256053.2); short protein forms S1681P, S1682P.
Identifiers: ClinVar variation 3913578 (VCV003913578.1).

ClinVar aggregate classification (germline): Uncertain significance (1 of 4 stars; one submission).

Conditions:
Inborn genetic diseases. Identifiers: MedGen C0950123, MeSH D030342.

Submission:

Ambry Genetics
Classification: Uncertain significance for Inborn genetic diseases. Last evaluated: 2025-04-05. Review status: criteria provided, single submitter. Criteria: Ambry Variant Classification Scheme 2023. Collection method: clinical testing. Allele origin: germline.
Comment: The p.S1682P variant (also known as c.5044T>C), located in coding exon 34 of the ANKRD26 gene, results from a T to C substitution at nucleotide position 5044. The serine at codon 1682 is replaced by proline, an amino acid with similar properties. This amino acid position is conserved. In addition, this alteration is predicted to be tolerated by in silico analysis. Based on the available evidence, the clinical significance of this variant remains unclear.